The following is an entry in ClinVar:

ClinVar aggregate classification (germline): Uncertain significance (1 of 4 stars; one submission).

Conditions:
Fanconi anemia (FA). Also called: Fanconi's anemia. Identifiers: Orphanet 84, MedGen C0015625, MeSH D005199, MONDO:0019391.

Submission:

Labcorp Genetics (formerly Invitae), Labcorp
Classification: Uncertain significance for Fanconi anemia. Last evaluated: 2023-12-17. Review status: criteria provided, single submitter. Criteria: Invitae Variant Classification Sherloc (09022015). Collection method: clinical testing. Allele origin: germline.
Comment: This sequence change replaces glutamine, which is neutral and polar, with glutamic acid, which is acidic and polar, at codon 150 of the FANCM protein (p.Gln150Glu). Information on the frequency of this variant in the gnomAD database is not available, as this variant may be reported differently in the database. This variant has not been reported in the literature in individuals affected with FANCM-related conditions. ClinVar contains an entry for this variant (Variation ID: 844895). Experimental studies and prediction algorithms are not available or were not evaluated, and the functional significance of this variant is currently unknown. In summary, the available evidence is currently insufficient to determine the role of this variant in disease. Therefore, it has been classified as a Variant of Uncertain Significance.

NM_020937.4(FANCM):c.447_448delinsAG (p.Gln150Glu)

Gene: FANCM (FA complementation group M; plus strand). Cytogenetic location: 14q21.2.
Variant type: Indel.
Coding change: c.447_448delinsAG on transcript NM_020937.4 (MANE Select); coding-DNA positions 447 to 448, GC replaced by AG.
Protein change: p.Gln150Glu; replaces glutamine 150 with glutamic acid.
Molecular consequence: missense variant.
Genome position (GRCh38, 1-based): chr14:45,136,478-45,136,479, GC replaced by AG. VCF-style: chr14-45136478-GC-AG. GRCh37 (hg19) VCF-style: chr14-45605681-GC-AG.
Other names: c.447_448delinsAG, p.Gln150Glu (NM_001308133.2, NM_001308134.2); short protein forms Q150E.
Identifiers: ClinVar variation 844895 (VCV000844895.11), dbSNP rs1885518528, ClinGen allele CA916081703.
Genomic context (GRCh38, chr14:45,136,478, plus strand): 5'-CCGCTGGTTCCCTTCAGGAAAGGTGGTCTTCATGGCCCCAACGAAACCCTTGGTGACACA[GC>AG]AGATCGAGGCTTGCTACCAGGTGATGGGTATCCCGCAATCCCACATGGCCGAAATGACAG-3'
Protein context (NP_065988.1, residues 140-160): MAPTKPLVTQ[Gln150Glu]IEACYQVMGI